The following is an entry in ClinVar:

ClinVar aggregate classification (germline): Uncertain significance (0 of 4 stars; one submission).

Submission:

Department of Pathology and Laboratory Medicine, Sinai Health System
Classification: Uncertain significance. Review status: no assertion criteria provided. Collection method: clinical testing. Allele origin: unknown. Affected: yes. Study: The Canadian Open Genetics Repository (COGR).
Comment: The ACAN p.Val1407_Glu1408insAspGluIleSerGlyLeuProSerGlyGluValLeuGluThrThrAlaProGlyVal variant was not identified in literature nor dbSNP or ClinVar. The variant was not identified in the following control databases: the 1000 Genomes Project, the NHLBI GO Exome Sequencing Project, or the Genome Aggregation Database (March 6, 2019, v2.1.1). This variant is an in-frame insertion resulting in the insertion of 19 amino acids beginning at codon 1407; the impact of this alteration on ACAN protein function is not known. In summary, based on the above information the clinical significance of this variant cannot be determined with certainty at this time. This variant is classified as a variant of uncertain significance.

NM_001369268.1(ACAN):c.4223_4224insTGAGATCAGCGGGCTTCCTTCTGGAGAAGTTCTAGAGACTACTGCCCCTGGAGTAGA (p.Val1407_Glu1408insAspGluIleSerGlyLeuProSerGlyGluValLeuGluThrThrAlaProGlyVal)

Gene: ACAN (aggrecan; plus strand). Cytogenetic location: 15q26.1.
Variant type: Insertion.
Coding change: c.4223_4224insTGAGATCAGCGGGCTTCCTTCTGGAGAAGTTCTAGAGACTACTGCCCCTGGAGTAGA on transcript NM_001369268.1 (MANE Select); coding-DNA positions 4223 to 4224, TGAGATCAGCGGGCTTCCTTCTGGAGAAGTTCTAGAGACTACTGCCCCTGGAGTAGA inserted.
Protein change: p.Val1407_Glu1408insAspGluIleSerGlyLeuProSerGlyGluValLeuGluThrThrAlaProGlyVal.
Molecular consequence: inframe insertion.
Genome position: GRCh38: chr15:88,856,808-88,856,809. GRCh37 (hg19): chr15:89,400,039-89,400,040.
Other names: c.4223_4224insTGAGATCAGCGGGCTTCCTTCTGGAGAAGTTCTAGAGACTACTGCCCCTGGAGTAGA, p.Val1407_Glu1408insAspGluIleSerGlyLeuProSerGlyGluValLeuGluThrThrAlaProGlyVal (NM_001135.4, NM_013227.4).
Identifiers: ClinVar variation 1049758 (VCV001049758.1), dbSNP rs1897051448, ClinGen allele CA7719999.